The following is an entry in ClinVar:

NM_001029883.3(PCARE):c.1040_1041del (p.Cys346_Ser347insTer)

Gene: PCARE (photoreceptor cilium actin regulator; minus strand). Cytogenetic location: 2p23.2.
Variant type: Microsatellite.
Coding change: c.1040_1041del on transcript NM_001029883.3 (MANE Select); coding-DNA positions 1040 to 1041, 2 bases deleted (CT; older notation c.1040_1041delCT).
Protein change: p.Cys346_Ser347insTer.
Molecular consequence: nonsense.
Genome position (GRCh38, 1-based): chr2:29,073,221-29,073,222, AG deleted on the plus strand (CT on the coding strand, the reverse complement: PCARE is on the minus strand); deleting any 2 consecutive bases within chr2:29,073,221-29,073,224 gives the same sequence; the c. name uses the placement nearest the transcript's 3' end. VCF-style (leftmost placement, unchanged base first): chr2-29073220-CAG-C. GRCh37 (hg19) VCF-style: chr2-29296086-CAG-C.
Identifiers: ClinVar variation 967266 (VCV000967266.8), dbSNP rs1667524759, ClinGen allele CA1028803861.

ClinVar aggregate classification (germline): Pathogenic/Likely pathogenic. Review status: criteria provided, multiple submitters, no conflicts (2 of 4 stars). 2 submissions from 2 submitters: Pathogenic (1); Likely pathogenic (1). Last evaluated 2025-10-26.

Conditions:
PCARE-related disorder. Also called: PCARE-related condition.

Submissions (2):

Labcorp Genetics (formerly Invitae), Labcorp
Classification: Pathogenic. Last evaluated: 2025-10-26. Review status: criteria provided, single submitter. Criteria: Invitae Variant Classification Sherloc (09022015). Collection method: clinical testing. Allele origin: germline.
Comment: This sequence change creates a premature translational stop signal (p.Ser347*) in the PCARE gene. It is expected to result in an absent or disrupted protein product. Loss-of-function variants in PCARE are known to be pathogenic (PMID: 20398886, 24339724, 26496393). This variant is not present in population databases (gnomAD no frequency). This variant has not been reported in the literature in individuals affected with PCARE-related conditions. ClinVar contains an entry for this variant (Variation ID: 967266). For these reasons, this variant has been classified as Pathogenic.

Blueprint Genetics
Classification: Likely pathogenic for PCARE-related disorders. Last evaluated: 2022-03-05. Review status: criteria provided, single submitter. Criteria: ACMG Guidelines, 2015. Collection method: clinical testing. Allele origin: germline. Affected: yes. Observed: 2 variant alleles.

Literature cited by the submitters: PubMed 20398886 (cited by Labcorp Genetics (formerly Invitae), Labcorp); PubMed 24339724 (cited by Labcorp Genetics (formerly Invitae), Labcorp); PubMed 26496393 (cited by Labcorp Genetics (formerly Invitae), Labcorp).